The following is an entry in ClinVar:

ClinVar aggregate classification (germline): Uncertain significance (1 of 4 stars; one submission).

Conditions:
Hereditary cancer-predisposing syndrome. Also called: Tumor predisposition; Hereditary neoplastic syndrome; Hereditary Cancer Syndrome; Neoplastic Syndromes, Hereditary. Identifiers: Orphanet 140162, MedGen C0027672, MeSH D009386, MONDO:0015356.

Submission:

Ambry Genetics
Classification: Uncertain significance for Hereditary cancer-predisposing syndrome. Last evaluated: 2025-05-03. Review status: criteria provided, single submitter. Criteria: Ambry Variant Classification Scheme 2023. Collection method: clinical testing. Allele origin: germline.
Comment: The p.S900T variant (also known as c.2698T>A), located in coding exon 16 of the RAD50 gene, results from a T to A substitution at nucleotide position 2698. The serine at codon 900 is replaced by threonine, an amino acid with similar properties. This amino acid position is conserved. In addition, this alteration is predicted to be tolerated by in silico analysis. Based on the available evidence, the clinical significance of this variant remains unclear.

NM_005732.4(RAD50):c.2698T>A (p.Ser900Thr)

Gene: RAD50 (RAD50 double strand break repair protein; plus strand). Cytogenetic location: 5q31.1.
Variant type: single nucleotide variant.
Coding change: c.2698T>A on transcript NM_005732.4 (MANE Select); coding-DNA position 2698, T replaced by A.
Protein change: p.Ser900Thr; replaces serine 900 with threonine.
Molecular consequence: missense variant.
Genome position (GRCh38, 1-based): chr5:132,604,979, T>A. VCF-style: chr5-132604979-T-A. GRCh37 (hg19) VCF-style: chr5-131940671-T-A.
Other names: short protein forms S900T.
Identifiers: ClinVar variation 3942145 (VCV003942145.1).
Genomic context (GRCh38, chr5:132,604,979, plus strand): 5'-AATTTGCAACGTCGTCAGCAACTGGAGGAGCAGACTGTGGAATTATCCACTGAAGTTCAG[T>A]CTTTGTACAGAGAGATAAAGGTAAGAATATCCATACATGTTTTTTGTAAAATTATTTTAA-3'
Protein context (NP_005723.2, residues 890-910): QTVELSTEVQ[Ser900Thr]LYREIKDAKE